The following is an entry in ClinVar:

ClinVar aggregate classification (germline): Pathogenic (1 of 4 stars; one submission).

Conditions:
Retinoblastoma (RB1). Also called: RETINOBLASTOMA, SOMATIC. Identifiers: Orphanet 790, MedGen C0035335, MeSH D012175, MONDO:0008380, OMIM 180200, HP:0009919. Disease mechanism: loss of function. Inheritance: Both sporadic and heritable forms are tested..

Submission:

Labcorp Genetics (formerly Invitae), Labcorp
Classification: Pathogenic for Retinoblastoma. Last evaluated: 2025-10-14. Review status: criteria provided, single submitter. Criteria: Invitae Variant Classification Sherloc (09022015). Collection method: clinical testing. Allele origin: germline.
Comment: This sequence change creates a premature translational stop signal (p.Thr52Glnfs*13) in the RB1 gene. It is expected to result in an absent or disrupted protein product. Loss-of-function variants in RB1 are known to be pathogenic (PMID: 17096365). This variant is not present in population databases (gnomAD no frequency). This premature translational stop signal has been observed in individual(s) with retinoblastoma (PMID: 12541220). This variant is also known as 290delA. For these reasons, this variant has been classified as Pathogenic.

Literature cited by the submitters: PubMed 17096365; PubMed 12541220.

NM_000321.3(RB1):c.154del (p.Thr52fs)

Gene: RB1 (RB transcriptional corepressor 1; plus strand). Cytogenetic location: 13q14.2.
Variant type: Deletion.
Coding change: c.154del on transcript NM_000321.3 (MANE Select); coding-DNA position 154, one base deleted (A; older notation c.154delA).
Protein change: p.Thr52fs; shifts the reading frame from threonine 52.
Molecular consequence: frameshift variant.
Genome position (GRCh38, 1-based): chr13:48,307,296, A deleted; the last of 3 consecutive A bases (chr13:48,307,294-48,307,296); deleting any one gives the same sequence. VCF-style (leftmost placement, unchanged base first): chr13-48307293-GA-G. GRCh37 (hg19) VCF-style: chr13-48881429-GA-G.
Other names: c.154del, p.Thr52fs (NM_001407165.1, NM_001407166.1, NM_001407167.1); short protein forms T52fs.
Identifiers: ClinVar variation 4710084 (VCV004710084.1).